The following is an entry in ClinVar:

NM_001018115.3(FANCD2):c.3481C>T (p.Gln1161Ter)

Genes: FANCD2 (FA complementation group D2; plus strand), FANCD2OS (FANCD2 opposite strand; minus strand). Cytogenetic location: 3p25.3.
Variant type: single nucleotide variant.
Coding change: c.3481C>T on transcript NM_001018115.3 (MANE Select); coding-DNA position 3481, C replaced by T.
Protein change: p.Gln1161Ter; replaces glutamine 1161 with a stop codon.
Molecular consequence: nonsense. On other transcripts: intron variant (1).
Genome position (GRCh38, 1-based): chr3:10,088,463, C>T. VCF-style: chr3-10088463-C-T. GRCh37 (hg19) VCF-style: chr3-10130147-C-T.
Other names: c.3481C>T, p.Gln1161Ter (NM_001319984.2, NM_001374254.1, NM_033084.6); c.3370C>T, p.Gln1124Ter (NM_001374253.1); c.*44-6932G>A (NM_173472.2); short protein forms Q1124*, Q1161*.
Identifiers: ClinVar variation 1298904 (VCV001298904.43), dbSNP rs369022159, ClinGen allele CA2250416.
Genomic context (GRCh38, chr3:10,088,463, plus strand): 5'-GGTCAAGTTCCCATATGTAAGATTCCTTTGTCTTCTTTTCTAACAGCTTCCCTTGCCAGA[C>T]AATTCCTCTGTCGGGTGTGGCCAAGTGGGGATAAAGAGAAGAGCAACATCTCTAATGACC-3'

ClinVar aggregate classification (germline): Pathogenic/Likely pathogenic. Review status: criteria provided, multiple submitters, no conflicts (2 of 4 stars). 5 submissions from 5 submitters: Pathogenic (3); Likely pathogenic (2). Last evaluated 2026-01-28.

Conditions:
Fanconi anemia (FA). Also called: Fanconi's anemia. Identifiers: Orphanet 84, MedGen C0015625, MeSH D005199, MONDO:0019391.
Fanconi anemia complementation group D2. Also called: FANCD2-Related Fanconi Anemia; FANCONI PANCYTOPENIA, TYPE 4; FANCONI ANEMIA, COMPLEMENTATION GROUP D. Identifiers: Orphanet 84, MedGen C3160738, MONDO:0009214, OMIM 227646.

Allele frequency attached by ClinVar (database versions not stated): gnomAD exomes 0.00001; TOPMed 0.00001; ESP Exome Variant Server 0.00008; ExAC 0.00002.
gnomAD v4.1: 55 of 1,608,832 alleles (0.0034%); highest among the groups gnomAD compares: Non-Finnish European, 0.0044%; no homozygotes.

Submissions (5):

Labcorp Genetics (formerly Invitae), Labcorp
Classification: Pathogenic for Fanconi anemia. Last evaluated: 2026-01-28. Review status: criteria provided, single submitter. Criteria: Invitae Variant Classification Sherloc (09022015). Collection method: clinical testing. Allele origin: germline.
Comment: This sequence change creates a premature translational stop signal (p.Gln1161*) in the FANCD2 gene. It is expected to result in an absent or disrupted protein product. Loss-of-function variants in FANCD2 are known to be pathogenic (PMID: 17436244). This variant is present in population databases (rs369022159, gnomAD 0.004%). This variant has not been reported in the literature in individuals affected with FANCD2-related conditions. ClinVar contains an entry for this variant (Variation ID: 1298904). For these reasons, this variant has been classified as Pathogenic.

Women's Health and Genetics/Laboratory Corporation of America, LabCorp
Classification: Pathogenic for Fanconi anemia. Last evaluated: 2024-10-11. Review status: criteria provided, single submitter. Criteria: LabCorp Variant Classification Summary - May 2015. Collection method: clinical testing. Allele origin: germline.
Comment: Variant summary: FANCD2 c.3481C>T (p.Gln1161X) results in a premature termination codon, predicted to cause a truncation of the encoded protein or absence of the protein due to nonsense mediated decay, which are commonly known mechanisms for disease. The variant allele was found at a frequency of 1.2e-05 in 251470 control chromosomes. c.3481C>T has been reported in the literature in individuals affected with Cancer. To our knowledge, no experimental evidence demonstrating an impact on protein function has been reported. The following publication have been ascertained in the context of this evaluation (PMID: 34308104). ClinVar contains an entry for this variant (Variation ID: 1298904). Based on the evidence outlined above, the variant was classified as pathogenic.

Baylor Genetics
Classification: Likely pathogenic for Fanconi anemia complementation group D2. Last evaluated: 2023-10-05. Review status: criteria provided, single submitter. Criteria: ACMG Guidelines, 2015. Collection method: clinical testing. Allele origin: unknown.

CeGaT Center for Human Genetics Tuebingen
Classification: Likely pathogenic. Last evaluated: 2021-11-01. Review status: criteria provided, single submitter. Criteria: CeGaT Center For Human Genetics Tuebingen Variant Classification Criteria Version 2. Collection method: clinical testing. Allele origin: germline. Affected: yes. Observed: 2 variant alleles.

Genetic Services Laboratory, University of Chicago
Classification: Pathogenic. Last evaluated: 2018-04-03. Review status: criteria provided, single submitter. Criteria: ACMG Guidelines, 2015. Collection method: clinical testing. Allele origin: germline. Affected: yes.

Literature cited by the submitters: PubMed 17436244 (cited by Labcorp Genetics (formerly Invitae), Labcorp); PubMed 34308104 (cited by Women's Health and Genetics/Laboratory Corporation of America, LabCorp).